The following is an entry in ClinVar:

NM_199420.4(POLQ):c.4631C>T (p.Thr1544Ile)

Gene: POLQ (DNA polymerase theta; minus strand). Cytogenetic location: 3q13.33.
Variant type: single nucleotide variant.
Coding change: c.4631C>T on transcript NM_199420.4 (MANE Select); coding-DNA position 4631, C replaced by T.
Protein change: p.Thr1544Ile; replaces threonine 1544 with isoleucine.
Molecular consequence: missense variant.
Genome position (GRCh38, 1-based): chr3:121,488,300, G>A on the plus strand (C>T on the coding strand, the complement: POLQ is on the minus strand). VCF-style: chr3-121488300-G-A. GRCh37 (hg19) VCF-style: chr3-121207147-G-A.
Other names: short protein forms T1544I.
Identifiers: ClinVar variation 1742046 (VCV001742046.3), dbSNP rs753031957, ClinGen allele CA81835504.

ClinVar aggregate classification (germline): Uncertain significance. Review status: criteria provided, multiple submitters, no conflicts (2 of 4 stars). 2 submissions from 2 submitters: Uncertain significance (2). Last evaluated 2022-08-24.

Conditions:
POLQ-related disorder. Also called: POLQ-related condition.

Allele frequency attached by ClinVar (database versions not stated): gnomAD exomes below 0.00001; TOPMed below 0.00001.
gnomAD v4.1: 4 of 1,612,208 alleles (0.00025%); highest among the groups gnomAD compares: Non-Finnish European, 0.00034%; no homozygotes.

Submissions (2):

Ambry Genetics
Classification: Uncertain significance. Last evaluated: 2022-08-24. Review status: criteria provided, single submitter. Criteria: Ambry Variant Classification Scheme 2023. Collection method: clinical testing. Allele origin: germline.
Comment: The p.T1544I variant (also known as c.4631C>T), located in coding exon 16 of the POLQ gene, results from a C to T substitution at nucleotide position 4631. The threonine at codon 1544 is replaced by isoleucine, an amino acid with similar properties. This amino acid position is conserved. In addition, this alteration is predicted to be tolerated by in silico analysis. Since supporting evidence is limited at this time, the clinical significance of this alteration remains unclear.

Department of Pathology and Laboratory Medicine, Sinai Health System
Classification: Uncertain significance for POLQ-related disorder. Last evaluated: 2021-07-30. Review status: criteria provided, single submitter. Criteria: ACMG Guidelines, 2015. Collection method: research. Allele origin: germline.